The following is an entry in ClinVar:

ClinVar aggregate classification (germline): Uncertain significance. Review status: criteria provided, multiple submitters, no conflicts (2 of 4 stars). 4 submissions from 4 submitters: Uncertain significance (4). Last evaluated 2025-07-31.

Conditions:
Inborn genetic diseases. Identifiers: MedGen C0950123, MeSH D030342.

Allele frequency attached by ClinVar (database versions not stated): gnomAD 0.00003 and 0.00004; TOPMed 0.00007; ESP Exome Variant Server 0.00008; ExAC 0.00033.
gnomAD v4.1: 238 of 1,609,624 alleles (0.015%); highest among the groups gnomAD compares: Non-Finnish European, 0.019%; no homozygotes.

Submissions (4):

Ambry Genetics
Classification: Uncertain significance for Inborn genetic diseases. Last evaluated: 2025-07-31. Review status: criteria provided, single submitter. Criteria: Ambry Variant Classification Scheme 2023. Collection method: clinical testing. Allele origin: germline.

Labcorp Genetics (formerly Invitae), Labcorp
Classification: Uncertain significance. Last evaluated: 2025-03-31. Review status: criteria provided, single submitter. Criteria: Invitae Variant Classification Sherloc (09022015). Collection method: clinical testing. Allele origin: germline.
Comment: This sequence change replaces proline, which is neutral and non-polar, with alanine, which is neutral and non-polar, at codon 162 of the POLR3B protein (p.Pro162Ala). This variant is present in population databases (rs373099408, gnomAD 0.04%). This variant has not been reported in the literature in individuals affected with POLR3B-related conditions. ClinVar contains an entry for this variant (Variation ID: 806930). Invitae Evidence Modeling of protein sequence and biophysical properties (such as structural, functional, and spatial information, amino acid conservation, physicochemical variation, residue mobility, and thermodynamic stability) indicates that this missense variant is not expected to disrupt POLR3B protein function with a negative predictive value of 80%. In summary, the available evidence is currently insufficient to determine the role of this variant in disease. Therefore, it has been classified as a Variant of Uncertain Significance.

Blueprint Genetics
Classification: Uncertain significance. Last evaluated: 2024-11-18. Review status: criteria provided, single submitter. Criteria: ACMG Guidelines, 2015. Collection method: clinical testing. Allele origin: germline.

CeGaT Center for Human Genetics Tuebingen
Classification: Uncertain significance. Last evaluated: 2016-08-01. Review status: criteria provided, single submitter. Criteria: CeGaT Center For Human Genetics Tuebingen Variant Classification Criteria Version 2. Collection method: clinical testing. Allele origin: germline. Affected: yes. Observed: 1 variant allele.

NM_018082.6(POLR3B):c.484C>G (p.Pro162Ala)

Gene: POLR3B (RNA polymerase III subunit B; plus strand). Cytogenetic location: 12q23.3.
Variant type: single nucleotide variant.
Coding change: c.484C>G on transcript NM_018082.6 (MANE Select); coding-DNA position 484, C replaced by G.
Protein change: p.Pro162Ala; replaces proline 162 with alanine.
Molecular consequence: missense variant.
Genome position (GRCh38, 1-based): chr12:106,376,438, C>G. VCF-style: chr12-106376438-C-G. GRCh37 (hg19) VCF-style: chr12-106770216-C-G.
Other names: c.484C>G (NM_018082.5); c.310C>G, p.Pro104Ala (NM_001160708.2); short protein forms P104A, P162A.
Identifiers: ClinVar variation 806930 (VCV000806930.48), dbSNP rs373099408, ClinGen allele CA6761711.